The following is an entry in ClinVar:

ClinVar aggregate classification (germline): Likely benign (0 of 4 stars; one submission).

Conditions:
MARCHF10-related disorder. Also called: MARCHF10-related condition.

Allele frequency attached by ClinVar (database versions not stated): ExAC 0.00110; gnomAD 0.00187; TOPMed 0.00191; ESP Exome Variant Server 0.00231; 1000 Genomes Project 0.00339; 1000 Genomes Project 30x 0.00359.
gnomAD v4.1: 824 of 1,613,770 alleles (0.051%); highest among the groups gnomAD compares: African/African-American, 0.64%; 2 homozygotes.

Submission:

PreventionGenetics, part of Exact Sciences
Classification: Likely benign for MARCHF10-related condition. Last evaluated: 2019-02-27. Review status: no assertion criteria provided. Collection method: clinical testing. Allele origin: germline.
Comment: This variant is classified as likely benign based on ACMG/AMP sequence variant interpretation guidelines (Richards et al. 2015 PMID: 25741868, with internal and published modifications).

NM_152598.4(MARCHF10):c.370G>A (p.Glu124Lys)

Gene: MARCHF10 (membrane associated ring-CH-type finger 10; minus strand). Cytogenetic location: 17q23.2.
Variant type: single nucleotide variant.
Coding change: c.370G>A on transcript NM_152598.4 (MANE Select); coding-DNA position 370, G replaced by A.
Protein change: p.Glu124Lys; replaces glutamic acid 124 with lysine.
Molecular consequence: missense variant.
Genome position (GRCh38, 1-based): chr17:62,759,847, C>T on the plus strand (G>A on the coding strand, the complement: MARCHF10 is on the minus strand). VCF-style: chr17-62759847-C-T. GRCh37 (hg19) VCF-style: chr17-60837208-C-T.
Other names: c.370G>A, p.Glu124Lys (NM_001100875.3, NM_001288779.2, NM_001288780.2); short protein forms E124K.
Identifiers: ClinVar variation 3045951 (VCV003045951.2), dbSNP rs141415486, ClinGen allele CA8697077.
Genomic context (GRCh38, chr17:62,759,847, plus strand): 5'-AATACCGGGATTTTAGATCTGATGAATTTCAATAAGCCAGCCACTCACCTGGAGAGGGTT[C>T]GCTGGGGTCCACTTTCTCTGCTTTCCTTACAGTCATGGTACTTTTATGTTTCTGCTTGAC-3'
Protein context (NP_689811.2, residues 114-134): VRKAEKVDPS[Glu124Lys]PSPADQAPMV